The following is an entry in ClinVar:

NM_024426.6(WT1):c.1400G>A (p.Arg467Gln)

Gene: WT1 (WT1 transcription factor; minus strand). Cytogenetic location: 11p13.
Variant type: single nucleotide variant.
Coding change: c.1400G>A on transcript NM_024426.6 (MANE Select); coding-DNA position 1400, G replaced by A.
Protein change: p.Arg467Gln; replaces arginine 467 with glutamine.
Molecular consequence: missense variant. On other transcripts: non-coding transcript variant (1).
Genome position (GRCh38, 1-based): chr11:32,392,019, C>T on the plus strand (G>A on the coding strand, the complement: WT1 is on the minus strand). VCF-style: chr11-32392019-C-T. GRCh37 (hg19) VCF-style: chr11-32413565-C-T.
Other names: c.1349G>A, p.Arg450Gln (NM_000378.6, NM_001407045.1); c.749G>A, p.Arg250Gln (NM_001198551.2); c.698G>A, p.Arg233Gln (NM_001198552.2); c.212G>A, p.Arg71Gln (NM_001367854.1); c.1394G>A, p.Arg465Gln (NM_001407044.1); c.1277G>A, p.Arg426Gln (NM_001407047.1); c.1259G>A, p.Arg420Gln (NM_001407048.1); c.1226G>A, p.Arg409Gln (NM_001407050.1); and 4 more; short protein forms R250Q, R467Q, R450Q, R71Q, R233Q, R213Q, R465Q, R409Q.
Identifiers: ClinVar variation 419332 (VCV000419332.23), dbSNP rs121907903, ClinGen allele CA16619314.

ClinVar aggregate classification (germline): Pathogenic/Likely pathogenic. Review status: criteria provided, multiple submitters, no conflicts (2 of 4 stars). 11 submissions from 11 submitters: Pathogenic (8); Likely pathogenic (3). Last evaluated 2024-12-14.
ClinVar aggregate classification (somatic clinical impact): Tier I - Strong (1 of 4 stars; one submission).

Conditions:
Kidney disorder. Also called: renal disorder; Kidney disease; Kidney Diseases; renal disease; Nephropathy. Identifiers: MedGen C0022658, MONDO:0005240, HP:0000112.
WT1-related Wilms tumor.
WT1-related disorder. Also called: WT1-related disorders. Identifiers: MedGen CN377814.
11p partial monosomy syndrome (WAGR). Also called: WAGR Complex; CHROMOSOME 11p13 DELETION SYNDROME; WAGR syndrome; WAGR Spectrum Disorder. Identifiers: Orphanet 893, MedGen C0206115, MONDO:0008681, OMIM 194072.
Wilms tumor 1 (WT1). Also called: Wilms tumor, somatic. Identifiers: Orphanet 654, MedGen CN033288, MONDO:0008679, OMIM 194070.
Frasier syndrome. Identifiers: Orphanet 347, MedGen C0950122, MeSH D052159, MONDO:0007635, OMIM 136680.
Drash syndrome (DDS). Also called: WILMS TUMOR AND PSEUDO- OR TRUE HERMAPHRODITISM; NEPHROPATHY, WILMS TUMOR, AND GENITAL ANOMALIES. Identifiers: Orphanet 220, MedGen C0950121, MONDO:0008682, OMIM 194080.
Nephrotic syndrome, type 4 (NPHS4). Also called: Familial mesangial sclerosis; Nephrotic syndrome, early onset with diffuse mesangial sclerosis. Identifiers: Orphanet 656, MedGen C3151568, MONDO:0009733, OMIM 256370.
Mesothelioma, malignant (MESOM). Also called: Malignant mesothelioma (disease). Identifiers: Orphanet 50251, MedGen C0345967, MONDO:0006292, OMIM 156240, HP:0100001.
Meacham syndrome. Also called: Meacham Winn Culler syndrome. Identifiers: Orphanet 3097, MedGen C1837026, MONDO:0012164, OMIM 608978.
Aniridia 1 (AN1). Identifiers: Orphanet 250923, MedGen C0344542, MONDO:0024507, OMIM 106210.
Nephroblastoma. Also called: Wilms' tumor; Wilms tumor. Identifiers: Orphanet 654, MedGen C0027708, MeSH D009396, MONDO:0006058, HP:0002667.

Submissions 1 to 9 of 12:

Institute for Genomic Medicine (IGM) Clinical Laboratory, Nationwide Children's Hospital
Classification: Tier I - Strong for Kidney Wilms tumor. Assertion type: diagnostic. Clinical significance: supports diagnosis. Last evaluated: 2025-10-17. Review status: criteria provided, single submitter. Criteria: AMP/ASCO/CAP Guidelines, 2017. Collection method: clinical testing. Allele origin: somatic. Affected: yes.
Comment: Variant has Tier I (strong) clinical significance as a diagnostic inclusion criterion in Wilms tumor, based on the following evidence: 1) Documented in one or more cancer databases (e.g., St. Jude Pecan, COSMIC, CIViC, OncoKB). 2) Appears in one or more well-established professional guidelines (e.g., World Health Organization [WHO]; National Comprehensive Cancer Network [NCCN]) as providing diagnostic, prognostic, or therapeutic information. 3) Diagnostic for a specific tumor type/classification based on well-powered studies with expert-level consensus (Evidence Level B; PMIDs: 8268188, 24713986, 28825729, 26892980).

PreventionGenetics, part of Exact Sciences
Classification: Pathogenic for WT1-related condition. Last evaluated: 2024-12-14. Review status: criteria provided, single submitter. Criteria: ACMG Guidelines, 2015. Collection method: clinical testing. Allele origin: germline.
Comment: The WT1 c.1385G>A variant is predicted to result in the amino acid substitution p.Arg462Gln. In the literature, this variant is frequently listed as “p.R394Q”. This variant has previously been reported to be causative for Denys-Drash syndrome, and it has been reported as a de novo finding (Jeanpierre et al. 1998. PubMed ID: 9529364; Köhler et al. 2011. PubMed ID: 21508141; Lehnhardt et al. 2015. PubMed ID: 25818337). Other missense variants affecting the same amino acid (p.Arg462Gly, p.Arg462Trp, p.Arg462Pro, and p.Arg462Leu) have also been reported in association with nephrotic syndrome, Wilms tumor, and Denys-Drash syndrome (Chernin et al. 2010. PubMed ID: 20595692; Pelletier et al. 1991. PubMed ID: 1655284; Bruening et al. 1992. PubMed ID: 1302008; Royer-Pokora et al. 2004. PubMed ID: 15150775). This variant has not been reported in gnomAD, indicating it is rare. This variant is interpreted as pathogenic.

Labcorp Genetics (formerly Invitae), Labcorp
Classification: Pathogenic for Wilms tumor 1; Drash syndrome; 11p partial monosomy syndrome; Frasier syndrome. Last evaluated: 2024-01-04. Review status: criteria provided, single submitter. Criteria: Invitae Variant Classification Sherloc (09022015). Collection method: clinical testing. Allele origin: germline.
Comment: This sequence change replaces arginine, which is basic and polar, with glutamine, which is neutral and polar, at codon 462 of the WT1 protein (p.Arg462Gln). This variant is not present in population databases (gnomAD no frequency). This missense change has been observed in individual(s) with Denys-Drash syndrome and/or clinical features of WT1-related conditions (PMID: 9529364, 9745866, 21508141, 25818337, 26248470, 28780565, 29474669, 30963316, 32604935, 34490048). In at least one individual the variant was observed to be de novo. This variant is also known as p.R394Q and p.R467Q. ClinVar contains an entry for this variant (Variation ID: 419332). An algorithm developed to predict the effect of missense changes on protein structure and function (PolyPhen-2) suggests that this variant is likely to be disruptive. This variant disrupts the p.Arg462 amino acid residue in WT1. Other variant(s) that disrupt this residue have been determined to be pathogenic (PMID: 1327525, 1338906, 1655284, 9529364, 15509792, 17853480, 23715653). This suggests that this residue is clinically significant, and that variants that disrupt this residue are likely to be disease-causing. For these reasons, this variant has been classified as Pathogenic.

3billion
Classification: Likely pathogenic for Nephrotic syndrome, type 4. Last evaluated: 2023-12-21. Review status: criteria provided, single submitter. Criteria: ACMG Guidelines, 2015. Collection method: clinical testing. Allele origin: germline. Affected: yes.
Comment: The variant is not observed in the gnomAD v2.1.1 dataset. Predicted Consequence/Location: Missense variant Same nucleotide change resulting in same amino acid change has been previously reported as pathogenic/likely pathogenic with strong evidence (ClinVar ID: VCV000419332 /PMID: 9529364). Different missense changes at the same codon (p.Arg467Gly, p.Arg467Leu, p.Arg467Pro, p.Arg467Trp) have been reported as pathogenic/likely pathogenic with strong evidence (ClinVar ID: VCV000003487, VCV000003491 /PMID: 1302008, 15150775, 1655284, 20595692 /3billion dataset). Therefore, this variant is classified as Likely pathogenic according to the recommendation of ACMG/AMP guideline.

Baylor Genetics
Classification: Pathogenic for Wilms tumor 1. Last evaluated: 2023-07-02. Review status: criteria provided, single submitter. Criteria: ACMG Guidelines, 2015. Collection method: clinical testing. Allele origin: unknown.

Blueprint Genetics
Classification: Pathogenic for WT1-related disorders. Last evaluated: 2023-05-30. Review status: criteria provided, single submitter. Criteria: ACMG Guidelines, 2015. Collection method: clinical testing. Allele origin: germline. Affected: yes. Observed: 2 variant alleles.

Laboratorio de Genetica e Diagnostico Molecular, Hospital Israelita Albert Einstein
Classification: Likely pathogenic for WT1-related Wilms tumor. Last evaluated: 2022-06-21. Review status: criteria provided, single submitter. Criteria: ACMG Guidelines, 2015. Collection method: clinical testing. Allele origin: germline.
Comment: ACMG classification criteria: PS4 strong, PM2 moderated, PM5 moderated, PM6 moderated

GeneDx
Classification: Pathogenic. Last evaluated: 2022-06-15. Review status: criteria provided, single submitter. Criteria: GeneDx Variant Classification Process June 2021. Collection method: clinical testing. Allele origin: germline. Affected: yes.
Comment: Observed in individuals with Denys Drash syndrome, congenital nephrotic syndrome, or other urogenital abnormalities in the published literature and at GeneDx, including de novo observations with confirmed parentage (Jeanpierre 1998, Schumacher 1998, Kohler 2011, Lehnhardt 2015, Weber 2016, Sen 2017, Brody 2019, Nishi 2019, Sun 2020); Not observed at significant frequency in large population cohorts (gnomAD); In silico analysis supports that this missense variant has a deleterious effect on protein structure/function; Also known as c.1181G>A (p.Arg394Gln); This variant is associated with the following publications: (PMID: 25818337, 9529364, 9607189, 21508141, 26248470, 28780565, 29474669, 30963316, 32891756, 29568099, 9745866, 29294058, 33726816, 32604935)

Victorian Clinical Genetics Services, Murdoch Childrens Research Institute
Classification: Pathogenic for Drash syndrome. Last evaluated: 2022-02-02. Review status: criteria provided, single submitter. Criteria: ACMG Guidelines, 2015. Collection method: clinical testing. Allele origin: germline. Inheritance: Autosomal dominant inheritance. Affected: yes.
Comment: Based on the classification scheme VCGS_Germline_v1.3.4, this variant is classified as Pathogenic. Following criteria are met: 0103 - Dominant negative and loss of function are known mechanisms of disease in this gene. (I) 0107 - This gene is associated with autosomal dominant disease. (I) 0200 - Variant is predicted to result in a missense amino acid change from arginine to glutamine. (I) 0251 - This variant is heterozygous. (I) 0301 - Variant is absent from gnomAD (both v2 and v3). (SP) 0502 - Missense variant with conflicting in silico predictions and uninformative conservation. (I) 0600 - Variant is located in the annotated putative nucleic acid binding site (NCBI). (I) 0703 - Another missense variant comparable to the one identified in this case has moderate previous evidence for pathogenicity. The p.(Arg462Trp) variant has commonly been reported in individuals with Denys-Drash syndrome (PMIDs: 30963316, 25349199). (SP) 0801 - This variant has strong previous evidence of pathogenicity in unrelated individuals. It has been reported in multiple individuals with Denys-Drash syndrome or steroid-resistant nephrotic syndrome (PMIDs: 32891756, 30963316, 26248470, 25349199). It has also been reported as pathogenic in ClinVar. (SP) Legend: (SP) - Supporting pathogenic, (I) - Information, (SB) - Supporting benign